The following is an entry in ClinVar:

ClinVar aggregate classification (germline): Uncertain significance. Review status: criteria provided, multiple submitters, no conflicts (2 of 4 stars). 2 submissions from 2 submitters: Uncertain significance (2). Last evaluated 2025-06-17.

Conditions:
Inborn genetic diseases. Identifiers: MedGen C0950123, MeSH D030342.

Allele frequency attached by ClinVar (database versions not stated): gnomAD exomes below 0.00001.

Submissions (2):

Ambry Genetics
Classification: Uncertain significance for Inborn genetic diseases. Last evaluated: 2025-06-17. Review status: criteria provided, single submitter. Criteria: Ambry Variant Classification Scheme 2023. Collection method: clinical testing. Allele origin: germline.

Labcorp Genetics (formerly Invitae), Labcorp
Classification: Uncertain significance. Last evaluated: 2022-04-08. Review status: criteria provided, single submitter. Criteria: Invitae Variant Classification Sherloc (09022015). Collection method: clinical testing. Allele origin: germline.
Comment: In summary, the available evidence is currently insufficient to determine the role of this variant in disease. Therefore, it has been classified as a Variant of Uncertain Significance. Algorithms developed to predict the effect of missense changes on protein structure and function (SIFT, PolyPhen-2, Align-GVGD) all suggest that this variant is likely to be disruptive. This variant has not been reported in the literature in individuals affected with POU3F4-related conditions. The frequency data for this variant in the population databases is considered unreliable, as metrics indicate poor data quality at this position in the gnomAD database. This sequence change replaces leucine, which is neutral and non-polar, with proline, which is neutral and non-polar, at codon 61 of the POU3F4 protein (p.Leu61Pro).

NM_000307.5(POU3F4):c.182T>C (p.Leu61Pro)

Gene: POU3F4 (POU class 3 homeobox 4; plus strand). Cytogenetic location: Xq21.1.
Variant type: single nucleotide variant.
Coding change: c.182T>C on transcript NM_000307.5 (MANE Select); coding-DNA position 182, T replaced by C.
Protein change: p.Leu61Pro; replaces leucine 61 with proline.
Molecular consequence: missense variant.
Genome position (GRCh38, 1-based): chrX:83,508,506, T>C. VCF-style: chrX-83508506-T-C. GRCh37 (hg19) VCF-style: chrX-82763514-T-C.
Other names: c.182T>C (NM_000307.3); short protein forms L61P.
Identifiers: ClinVar variation 2091520 (VCV002091520.5), dbSNP rs1408296948, ClinGen allele CA413750983.